The following is an entry in ClinVar:

ClinVar aggregate classification (germline): Uncertain significance (1 of 4 stars; one submission).

Conditions:
Inborn genetic diseases. Identifiers: MedGen C0950123, MeSH D030342.

Submission:

Ambry Genetics
Classification: Uncertain significance for Inborn genetic diseases. Last evaluated: 2021-07-09. Review status: criteria provided, single submitter. Criteria: Ambry Variant Classification Scheme 2023. Collection method: clinical testing. Allele origin: germline.
Comment: The p.A1061T variant (also known as c.3181G>A), located in coding exon 24 of the LRRK2 gene, results from a G to A substitution at nucleotide position 3181. The alanine at codon 1061 is replaced by threonine, an amino acid with similar properties. This amino acid position is conserved. In addition, this alteration is predicted to be tolerated by in silico analysis. Since supporting evidence is limited at this time, the clinical significance of this alteration remains unclear.

NM_198578.4(LRRK2):c.3181G>A (p.Ala1061Thr)

Gene: LRRK2 (leucine rich repeat kinase 2; plus strand). Cytogenetic location: 12q12.
Variant type: single nucleotide variant.
Coding change: c.3181G>A on transcript NM_198578.4 (MANE Select); coding-DNA position 3181, G replaced by A.
Protein change: p.Ala1061Thr; replaces alanine 1061 with threonine.
Molecular consequence: missense variant.
Genome position (GRCh38, 1-based): chr12:40,298,327, G>A. VCF-style: chr12-40298327-G-A. GRCh37 (hg19) VCF-style: chr12-40692129-G-A.
Other names: short protein forms A1061T.
Identifiers: ClinVar variation 1728552 (VCV001728552.2), dbSNP rs2499745495, ClinGen allele CA384414416.
Genomic context (GRCh38, chr12:40,298,327, plus strand): 5'-GACTTGCACAGTAATAAATTTACATCATTTCCTTCTTATTTGTTGAAAATGAGTTGTATT[G>A]CTAATCTTGATGTCTCTCGAAATGACATTGGACCCTCAGTGGTTTTAGATCCTACAGTGA-3'
Protein context (NP_940980.4, residues 1051-1071): PSYLLKMSCI[Ala1061Thr]NLDVSRNDIG